The following is an entry in ClinVar:

ClinVar aggregate classification (germline): Pathogenic (1 of 4 stars; one submission).

Submission:

GeneDx
Classification: Pathogenic. Last evaluated: 2021-06-19. Review status: criteria provided, single submitter. Criteria: GeneDx Variant Classification Process June 2021. Collection method: clinical testing. Allele origin: germline. Affected: yes.
Comment: Frameshift variant predicted to result in protein truncation or nonsense mediated decay in a gene for which loss-of-function is a known mechanism of disease; Has not been previously published as pathogenic or benign to our knowledge

NM_004187.5(KDM5C):c.2553_2554del (p.Glu852fs)

Gene: KDM5C (lysine demethylase 5C; minus strand). Cytogenetic location: Xp11.22.
Variant type: Deletion.
Coding change: c.2553_2554del on transcript NM_004187.5 (MANE Select); coding-DNA positions 2553 to 2554, 2 bases deleted (TG; older notation c.2553_2554delTG).
Protein change: p.Glu852fs; shifts the reading frame from glutamic acid 852.
Molecular consequence: frameshift variant. On other transcripts: non-coding transcript variant (3).
Genome position (GRCh38, 1-based): chrX:53,197,839-53,197,840, CA deleted on the plus strand (TG on the coding strand, the reverse complement: KDM5C is on the minus strand). VCF-style (leftmost placement, unchanged base first): chrX-53197838-TCA-T. GRCh37 (hg19) VCF-style: chrX-53227020-TCA-T.
Other names: c.2553_2554delTG (NM_004187.2); c.2352_2353del, p.Glu785fs (NM_001146702.2); c.2550_2551del, p.Glu851fs (NM_001282622.3, NM_001353979.2, NM_001353982.2); c.2553_2554del, p.Glu852fs (NM_001353978.3, NM_001353981.2, NM_001353984.2); short protein forms E851fs, E785fs, E852fs.
Identifiers: ClinVar variation 504157 (VCV000504157.3), dbSNP rs1556838673, ClinGen allele CA658799755.
Genomic context (GRCh38, chrX:53,197,838, plus strand): 5'-TCCCCAATCTGGTGCATGGCGCAAGGCAGGTTGTTCATCTGGTCCAGAAAGGCCCGGAGC[TCA>T]GTCAGGGTCATCTGTAGACCAGCCACCCTGTGGGGGCTATGAAGTATCACATGTGAGGTT-3'